The following is an entry in ClinVar:

NM_001134363.3(RBM20):c.3636del (p.Arg1212fs)

Gene: RBM20 (RNA binding motif protein 20; plus strand). Cytogenetic location: 10q25.2.
Variant type: Deletion.
Coding change: c.3636del on transcript NM_001134363.3 (MANE Select); coding-DNA position 3636, one base deleted (G; older notation c.3636delG).
Protein change: p.Arg1212fs; shifts the reading frame from arginine 1212.
Molecular consequence: frameshift variant.
Genome position (GRCh38, 1-based): chr10:110,835,930, G deleted; the last of 2 consecutive G bases (chr10:110,835,929-110,835,930); deleting either gives the same sequence. VCF-style (leftmost placement, unchanged base first): chr10-110835928-AG-A. GRCh37 (hg19) VCF-style: chr10-112595686-AG-A.
Other names: c.3636delG, p.Arg1212Serfs (NM_001134363.1); short protein forms R1212fs.
Identifiers: ClinVar variation 3378298 (VCV003378298.3).

ClinVar aggregate classification (germline): Uncertain significance. Review status: criteria provided, multiple submitters, no conflicts (2 of 4 stars). 2 submissions from 2 submitters: Uncertain significance (2). Last evaluated 2024-06-24.

Conditions:
Dilated cardiomyopathy 1DD (CMD1DD). Identifiers: Orphanet 154, MedGen C2750995, MONDO:0013168, OMIM 613172.

Submissions (2):

Labcorp Genetics (formerly Invitae), Labcorp
Classification: Uncertain significance for Dilated cardiomyopathy 1DD. Last evaluated: 2024-06-24. Review status: criteria provided, single submitter. Criteria: Invitae Variant Classification Sherloc (09022015). Collection method: clinical testing. Allele origin: germline.
Comment: This sequence change creates a premature translational stop signal (p.Arg1212Serfs*36) in the RBM20 gene. While this is not anticipated to result in nonsense mediated decay, it is expected to disrupt the last 16 amino acid(s) of the RBM20 protein. This variant is present in population databases (no rsID available, gnomAD 0.002%). This premature translational stop signal has been observed in individual(s) with dilated cardiomyopathy (PMID: 36788754). Experimental studies and prediction algorithms are not available or were not evaluated, and the functional significance of this variant is currently unknown. In summary, the available evidence is currently insufficient to determine the role of this variant in disease. Therefore, it has been classified as a Variant of Uncertain Significance.

GeneDx
Classification: Uncertain significance. Last evaluated: 2024-05-13. Review status: criteria provided, single submitter. Criteria: GeneDx Variant Classification Process June 2021. Collection method: clinical testing. Allele origin: germline. Affected: yes.
Comment: Not observed at significant frequency in large population cohorts (gnomAD); Frameshift variant predicted to result in abnormal protein length as the last 16 amino acids are replaced with 35 different amino acids in a gene for which loss-of-function is not a known mechanism of disease; Reported in a patient with dilated cardiomyopathy (DCM) in published literature (PMID: 36788754); This variant is associated with the following publications: (PMID: 36788754)

Literature cited by the submitters: PubMed 36788754 (cited by Labcorp Genetics (formerly Invitae), Labcorp).